The following is an entry in ClinVar:

ClinVar aggregate classification (germline): Uncertain significance. Review status: criteria provided, single submitter (1 of 4 stars). 2 submissions from 2 submitters: Uncertain significance (1). 1 of the submissions does not count toward it. Last evaluated 2024-05-16.

Conditions:
PKD1-related disorder. Also called: PKD1-related condition.
Polycystic kidney disease, adult type (PKD1). Also called: Polycystic Kidney, Autosomal Dominant; POLYCYSTIC KIDNEY DISEASE 1 WITH OR WITHOUT POLYCYSTIC LIVER DISEASE; POLYCYSTIC KIDNEY DISEASE, ADULT, TYPE I; Polycystic Kidney Disease 1, Autosomal Dominant; Polycystic kidney disease 1; Polycystic kidney disease 1, severe. Identifiers: MedGen C3149841, MONDO:0008263, OMIM 173900.

gnomAD v4.1: 56 of 1,561,138 alleles (0.0036%); highest among the groups gnomAD compares: African/African-American, 0.011%; no homozygotes.

Submissions (2):

Fulgent Genetics
Classification: Uncertain significance for Polycystic kidney disease, adult type. Last evaluated: 2024-05-16. Review status: criteria provided, single submitter. Criteria: ACMG Guidelines, 2015. Collection method: clinical testing. Allele origin: germline.

PreventionGenetics, part of Exact Sciences
Classification: Uncertain significance for PKD1-related condition. Last evaluated: 2024-03-20. Review status: no assertion criteria provided. Collection method: clinical testing. Allele origin: germline. Not counted in ClinVar's aggregate classification.
Comment: The PKD1 c.6526C>T variant is predicted to result in the amino acid substitution p.Arg2176Cys. To our knowledge, this variant has not been reported in the literature. This variant is reported in 0.012% of alleles in individuals of South Asian descent in gnomAD. Although we suspect that this variant may be benign, at this time, the clinical significance of this variant is uncertain due to the absence of conclusive functional and genetic evidence.

NM_001009944.3(PKD1):c.6526C>T (p.Arg2176Cys)

Gene: PKD1 (polycystin 1, transient receptor potential channel interacting; minus strand). Cytogenetic location: 16p13.3.
Variant type: single nucleotide variant.
Coding change: c.6526C>T on transcript NM_001009944.3 (MANE Select); coding-DNA position 6526, C replaced by T.
Protein change: p.Arg2176Cys; replaces arginine 2176 with cysteine.
Molecular consequence: missense variant.
Genome position (GRCh38, 1-based): chr16:2,108,641, G>A on the plus strand (C>T on the coding strand, the complement: PKD1 is on the minus strand). VCF-style: chr16-2108641-G-A. GRCh37 (hg19) VCF-style: chr16-2158642-G-A.
Other names: c.6526C>T, p.Arg2176Cys (NM_000296.4); short protein forms R2176C.
Identifiers: ClinVar variation 3352402 (VCV003352402.2).
Genomic context (GRCh38, chr16:2,108,641, plus strand): 5'-GGCAGCTGGCGGTGCGATACACCTCCCAGCGGTACTCAGTCTGGTAGGTGACGCAGTCGC[G>A]CAGGTCAACGTGGGCCTCCAAGTAGTTGCGCTGTGATCGCCGCATCAGCACCTGCAGGGG-3'
Protein context (NP_001009944.3, residues 2166-2186): RNYLEAHVDL[Arg2176Cys]DCVTYQTEYR